The following is an entry in ClinVar:

ClinVar aggregate classification (germline): Conflicting classifications of pathogenicity. Review status: criteria provided, conflicting classifications (1 of 4 stars). 3 submissions from 3 submitters: Uncertain significance (1); Likely benign (1). 1 of the submissions does not count toward it. Last evaluated 2026-02-03.

Conditions:
RAI1-related disorder. Also called: RAI1-related condition.

Allele frequency attached by ClinVar (database versions not stated): TOPMed 0.00001; ESP Exome Variant Server 0.00008.
gnomAD v4.1: 35 of 1,606,054 alleles (0.0022%); highest among the groups gnomAD compares: Non-Finnish European, 0.0026%; no homozygotes.

Submissions (3):

Labcorp Genetics (formerly Invitae), Labcorp
Classification: Likely benign. Last evaluated: 2026-02-03. Review status: criteria provided, single submitter. Criteria: Invitae Variant Classification Sherloc (09022015). Collection method: clinical testing. Allele origin: germline.

Genetic Services Laboratory, University of Chicago
Classification: Uncertain significance. Last evaluated: 2015-07-29. Review status: criteria provided, single submitter. Criteria: ACMG Guidelines, 2015. Collection method: clinical testing. Allele origin: germline.

PreventionGenetics, part of Exact Sciences
Classification: Likely benign for RAI1-related condition. Last evaluated: 2021-06-16. Review status: no assertion criteria provided. Collection method: clinical testing. Allele origin: germline. Not counted in ClinVar's aggregate classification.
Comment: This variant is classified as likely benign based on ACMG/AMP sequence variant interpretation guidelines (Richards et al. 2015 PMID: 25741868, with internal and published modifications).

NM_030665.4(RAI1):c.5517C>T (p.Ala1839=)

Gene: RAI1 (retinoic acid induced 1; plus strand). Cytogenetic location: 17p11.2.
Variant type: single nucleotide variant.
Coding change: c.5517C>T on transcript NM_030665.4 (MANE Select); coding-DNA position 5517, C replaced by T.
Protein change: p.Ala1839=; no amino-acid change (alanine 1839 retained).
Molecular consequence: synonymous variant.
Genome position (GRCh38, 1-based): chr17:17,798,465, C>T. VCF-style: chr17-17798465-C-T. GRCh37 (hg19) VCF-style: chr17-17701779-C-T.
Identifiers: ClinVar variation 212013 (VCV000212013.15), dbSNP rs377747563, ClinGen allele CA209646.